The following is an entry in ClinVar:

NM_024529.5(CDC73):c.115A>C (p.Asn39His)

Gene: CDC73 (cell division cycle 73; plus strand). Cytogenetic location: 1q31.2.
Variant type: single nucleotide variant.
Coding change: c.115A>C on transcript NM_024529.5 (MANE Select); coding-DNA position 115, A replaced by C.
Protein change: p.Asn39His; replaces asparagine 39 with histidine.
Molecular consequence: missense variant.
Genome position (GRCh38, 1-based): chr1:193,122,315, A>C. VCF-style: chr1-193122315-A-C. GRCh37 (hg19) VCF-style: chr1-193091445-A-C.
Other names: short protein forms N39H.
Identifiers: ClinVar variation 3829902 (VCV003829902.1).

ClinVar aggregate classification (germline): Uncertain significance (1 of 4 stars; one submission).

Conditions:
Hereditary cancer-predisposing syndrome. Also called: Hereditary neoplastic syndrome; Neoplastic Syndromes, Hereditary; Tumor predisposition; Hereditary Cancer Syndrome. Identifiers: Orphanet 140162, MedGen C0027672, MeSH D009386, MONDO:0015356.

Submission:

Ambry Genetics
Classification: Uncertain significance for Hereditary cancer-predisposing syndrome. Last evaluated: 2025-03-01. Review status: criteria provided, single submitter. Criteria: Ambry Variant Classification Scheme 2023. Collection method: clinical testing. Allele origin: germline.
Comment: The p.N39H variant (also known as c.115A>C), located in coding exon 1 of the CDC73 gene, results from an A to C substitution at nucleotide position 115. The asparagine at codon 39 is replaced by histidine, an amino acid with similar properties. This amino acid position is conserved. In addition, the in silico prediction for this alteration is inconclusive. Based on the available evidence, the clinical significance of this variant remains unclear.